The following is an entry in ClinVar:

NM_006612.6(KIF1C):c.996C>T (p.Tyr332=)

Gene: KIF1C (kinesin family member 1C; plus strand). Cytogenetic location: 17p13.2.
Variant type: single nucleotide variant.
Coding change: c.996C>T on transcript NM_006612.6 (MANE Select); coding-DNA position 996, C replaced by T.
Protein change: p.Tyr332=; no amino-acid change (tyrosine 332 retained).
Molecular consequence: synonymous variant.
Genome position (GRCh38, 1-based): chr17:5,004,622, C>T. VCF-style: chr17-5004622-C-T. GRCh37 (hg19) VCF-style: chr17-4907917-C-T.
Identifiers: ClinVar variation 514000 (VCV000514000.53), dbSNP rs143283587, ClinGen allele CA8318825.
Genomic context (GRCh38, chr17:5,004,622, plus strand): 5'-CACAGGGGGGAACTCACGCACAGCCATGATTGCAGCCCTGAGCCCTGCTGACATCAATTA[C>T]GAGGAGACTCTCAGCACCCTCAGGTGAGGCTTTTGGCTCTAGCAGGGATGGGGCAGCATA-3'
Protein context (NP_006603.2, residues 322-342): IAALSPADIN[Tyr332=]EETLSTLRYA

ClinVar aggregate classification (germline): Likely benign. Review status: criteria provided, multiple submitters, no conflicts (2 of 4 stars). 3 submissions from 3 submitters: Likely benign (3). Last evaluated 2025-12-01.

Conditions:
Spastic ataxia 2. Also called: Ataxia, spastic, 2, autosomal recessive. Identifiers: Orphanet 397946, MedGen C1969796, MONDO:0012651, OMIM 611302.

Allele frequency attached by ClinVar (database versions not stated): ExAC 0.00003; gnomAD exomes 0.00003 and 0.00004; gnomAD 0.00004 and 0.00005; TOPMed 0.00005; ESP Exome Variant Server 0.00015.
gnomAD v4.1: 44 of 1,614,030 alleles (0.0027%); highest among the groups gnomAD compares: East Asian, 0.02%; no homozygotes.

Submissions (3):

CeGaT Center for Human Genetics Tuebingen
Classification: Likely benign. Last evaluated: 2025-12-01. Review status: criteria provided, single submitter. Criteria: CeGaT Center For Human Genetics Tuebingen Variant Classification Criteria Version 2. Collection method: clinical testing. Allele origin: germline. Affected: yes. Observed: 4 variant alleles.
Comment: KIF1C: BP4, BP7

Labcorp Genetics (formerly Invitae), Labcorp
Classification: Likely benign for Spastic ataxia 2. Last evaluated: 2022-07-11. Review status: criteria provided, single submitter. Criteria: Invitae Variant Classification Sherloc (09022015). Collection method: clinical testing. Allele origin: germline.

GeneDx
Classification: Likely benign. Last evaluated: 2017-12-12. Review status: criteria provided, single submitter. Criteria: GeneDx Variant Classification (06012015). Collection method: clinical testing. Allele origin: germline. Affected: yes.
Comment: This variant is considered likely benign or benign based on one or more of the following criteria: it is a conservative change, it occurs at a poorly conserved position in the protein, it is predicted to be benign by multiple in silico algorithms, and/or has population frequency not consistent with disease.